The following is an entry in ClinVar:

NM_000143.4(FH):c.4T>C (p.Tyr2His)

Gene: FH (fumarate hydratase; minus strand). Cytogenetic location: 1q43.
Variant type: single nucleotide variant.
Coding change: c.4T>C on transcript NM_000143.4 (MANE Select); coding-DNA position 4, T replaced by C.
Protein change: p.Tyr2His; replaces tyrosine 2 with histidine.
Molecular consequence: missense variant.
Genome position (GRCh38, 1-based): chr1:241,519,719, A>G on the plus strand (T>C on the coding strand, the complement: FH is on the minus strand). VCF-style: chr1-241519719-A-G. GRCh37 (hg19) VCF-style: chr1-241683019-A-G.
Other names: short protein forms Y2H.
Identifiers: ClinVar variation 460359 (VCV000460359.31), dbSNP rs112335468, ClinGen allele CA1478785.
Genomic context (GRCh38, chr1:241,519,719, plus strand): 5'-AGGCTGCGGCTGGAGCCCGCACGAGGGGACGCGAGCGCGCGAGGAGCCGAAGTGCTCGGT[A>G]CATGGTGCTGAGGGAGCTTGGGTAGAATTTCTGGGCGGCTGTGGCCACGCCTCCACGCCG-3'
Protein context (NP_000134.2, residues 1-12): M[Tyr2His]RALRLLARSR

ClinVar aggregate classification (germline): Conflicting classifications of pathogenicity. Review status: criteria provided, conflicting classifications (1 of 4 stars). 9 submissions from 9 submitters: Uncertain significance (5); Likely benign (4). Last evaluated 2026-04-22.

Conditions:
Inherited phaeochromocytoma and paraganglioma excluding NF1.
FH-related disorder. Also called: FH-related disorders; FH-related condition.
Hereditary cancer-predisposing syndrome. Also called: Tumor predisposition; Hereditary neoplastic syndrome; Neoplastic Syndromes, Hereditary; Hereditary Cancer Syndrome. Identifiers: Orphanet 140162, MedGen C0027672, MeSH D009386, MONDO:0015356.
Fumarase deficiency (FMRD). Also called: Fumaric aciduria; Fumarate Hydratase Deficiency. Identifiers: Orphanet 24, MedGen C0342770, MONDO:0011730, OMIM 606812.
Hereditary leiomyomatosis and renal cell cancer. Also called: Familial leiomyomatosis; MULTIPLE CUTANEOUS AND UTERINE LEIOMYOMATA 1, WITH OR WITHOUT RENAL CELL CARCINOMA; FH tumor predisposition syndrome; LEIOMYOMA, MULTIPLE CUTANEOUS; Reed syndrome; Multiple cutaneous and uterine leiomyomatosis. Identifiers: Orphanet 523, MedGen C1708350, MONDO:0007888, OMIM 150800, HP:0007437. Disease mechanism: loss of function.

Allele frequency attached by ClinVar (database versions not stated): gnomAD exomes 0.00003; ExAC 0.00007; TOPMed 0.00018; gnomAD 0.00023 and 0.00024.
gnomAD v4.1: 83 of 1,543,388 alleles (0.0054%); highest among the groups gnomAD compares: African/African-American, 0.085%; no homozygotes.

Submissions (9):

NHS Central & South Genomic Laboratory Hub
Classification: Uncertain significance for Inherited phaeochromocytoma and paraganglioma excluding NF1. Last evaluated: 2026-04-22. Review status: criteria provided, single submitter. Criteria: ACMG Guidelines, 2015. Collection method: clinical testing. Allele origin: germline. Affected: yes.

Labcorp Genetics (formerly Invitae), Labcorp
Classification: Likely benign. Last evaluated: 2026-01-31. Review status: criteria provided, single submitter. Criteria: Invitae Variant Classification Sherloc (09022015). Collection method: clinical testing. Allele origin: germline.

Dasa
Classification: Uncertain significance. Last evaluated: 2025-06-18. Review status: criteria provided, single submitter. Criteria: DASA Assertion Criteria. Collection method: clinical testing. Allele origin: germline.
Comment: NM_000143.4(FH):c.4T>C (p.Tyr2His) is a missense variant that results in the substitution of tyrosine with histidine. This variant is rare in population databases. Computational prediction algorithms are consistent with a benign effect. The currently available literature and clinical evidence are not sufficient to establish a definitive association between this variant and the reported condition. Therefore, this variant is classified as a variant of uncertain significance.

GeneDx
Classification: Uncertain significance. Last evaluated: 2025-05-14. Review status: criteria provided, single submitter. Criteria: GeneDx Variant Classification Process June 2021. Collection method: clinical testing. Allele origin: germline. Affected: yes.
Comment: In silico analysis suggests that this missense variant does not alter protein structure/function; Observed in individuals with pheochromocytoma, paraganglioma, kidney cancer, or colon cancer (PMID: 29684080, 30877234); This variant is associated with the following publications: (PMID: 30877234, 29684080, 37529773)

PreventionGenetics, part of Exact Sciences
Classification: Likely benign for FH-related condition. Last evaluated: 2025-01-17. Review status: criteria provided, single submitter. Criteria: ACMG Guidelines, 2015. Collection method: clinical testing. Allele origin: germline.
Comment: This variant is classified as likely benign based on ACMG/AMP sequence variant interpretation guidelines (Richards et al. 2015 PMID: 25741868, with internal and published modifications).

Myriad Genetics, Inc.
Classification: Likely benign for Hereditary leiomyomatosis and renal cell cancer. Last evaluated: 2024-08-06. Review status: criteria provided, single submitter. Criteria: Myriad Autosomal Dominant, Autosomal Recessive and X-Linked Classification Criteria (2023). Collection method: clinical testing. Allele origin: unknown.
Comment: This variant is considered likely benign. This variant has been observed at a population frequency that is significantly greater than expected given the associated disease prevalence and penetrance.

Baylor Genetics
Classification: Uncertain significance for Fumarase deficiency. Last evaluated: 2024-03-04. Review status: criteria provided, single submitter. Criteria: ACMG Guidelines, 2015. Collection method: clinical testing. Allele origin: unknown.

Ambry Genetics
Classification: Likely benign for Hereditary cancer-predisposing syndrome. Last evaluated: 2024-01-23. Review status: criteria provided, single submitter. Criteria: Ambry Variant Classification Scheme 2023. Collection method: clinical testing. Allele origin: germline.

Sema4
Classification: Uncertain significance for Hereditary cancer-predisposing syndrome. Last evaluated: 2021-06-24. Review status: criteria provided, single submitter. Criteria: Sema4 Curation Guidelines. Collection method: curation. Allele origin: germline.
Comment: The FH c.4T>C (p.Y2H) variant has been reported in heterozygosity in at least one individual with benign pheochromocytoma (PMID: 30877234). It was observed in 11/15824 chromosomes of the African/African American subpopulation, with no homozygotes, in the Genome Aggregation Database. The variant has been reported in ClinVar (Variation ID 460359). In silico tools suggest the impact of the variant on protein function is inconclusive, though these predictions have not been confirmed by functional studies. The evidence is insufficient to meet ACMG/AMP criteria for classifying the variant as benign or pathogenic. Thus, the clinical significance of this variant is currently uncertain.

Literature cited by the submitters: PubMed 28518168 (cited by Ambry Genetics); PubMed 32461654 (cited by Ambry Genetics); PubMed 30877234 (cited by Sema4).